The following is an entry in ClinVar:

NM_006059.4(LAMC3):c.317C>A (p.Pro106Gln)

Gene: LAMC3 (laminin subunit gamma 3; plus strand). Cytogenetic location: 9q34.12.
Variant type: single nucleotide variant.
Coding change: c.317C>A on transcript NM_006059.4 (MANE Select); coding-DNA position 317, C replaced by A.
Protein change: p.Pro106Gln; replaces proline 106 with glutamine.
Molecular consequence: missense variant.
Genome position (GRCh38, 1-based): chr9:131,009,531, C>A. VCF-style: chr9-131009531-C-A. GRCh37 (hg19) VCF-style: chr9-133884918-C-A.
Other names: short protein forms P106Q.
Identifiers: ClinVar variation 2171537 (VCV002171537.4), dbSNP rs539055472, ClinGen allele CA200659248.

ClinVar aggregate classification (germline): Uncertain significance (1 of 4 stars; one submission).

Submission:

Labcorp Genetics (formerly Invitae), Labcorp
Classification: Uncertain significance. Last evaluated: 2022-08-10. Review status: criteria provided, single submitter. Criteria: Invitae Variant Classification Sherloc (09022015). Collection method: clinical testing. Allele origin: germline.
Comment: This sequence change replaces proline, which is neutral and non-polar, with glutamine, which is neutral and polar, at codon 106 of the LAMC3 protein (p.Pro106Gln). This variant is not present in population databases (gnomAD no frequency). This variant has not been reported in the literature in individuals affected with LAMC3-related conditions. Algorithms developed to predict the effect of missense changes on protein structure and function output the following: SIFT: "Tolerated"; PolyPhen-2: "Benign"; Align-GVGD: "Class C0". The glutamine amino acid residue is found in multiple mammalian species, which suggests that this missense change does not adversely affect protein function. In summary, the available evidence is currently insufficient to determine the role of this variant in disease. Therefore, it has been classified as a Variant of Uncertain Significance.